The following is an entry in ClinVar:

ClinVar aggregate classification (germline): Uncertain significance (1 of 4 stars; one submission).

Submission:

Labcorp Genetics (formerly Invitae), Labcorp
Classification: Uncertain significance. Last evaluated: 2022-08-15. Review status: criteria provided, single submitter. Criteria: Invitae Variant Classification Sherloc (09022015). Collection method: clinical testing. Allele origin: germline.
Comment: In summary, the available evidence is currently insufficient to determine the role of this variant in disease. Therefore, it has been classified as a Variant of Uncertain Significance. Algorithms developed to predict the effect of missense changes on protein structure and function are either unavailable or do not agree on the potential impact of this missense change (SIFT: "Tolerated"; PolyPhen-2: "Not Available"; Align-GVGD: "Class C0"). This variant has not been reported in the literature in individuals affected with TTC19-related conditions. This variant is not present in population databases (gnomAD no frequency). This sequence change replaces phenylalanine, which is neutral and non-polar, with valine, which is neutral and non-polar, at codon 2 of the TTC19 protein (p.Phe2Val).

NM_017775.4(TTC19):c.4T>G (p.Phe2Val)

Genes: TTC19 (tetratricopeptide repeat domain 19; plus strand), LOC130060311 (ATAC-STARR-seq lymphoblastoid silent region 8214; plus strand). Cytogenetic location: 17p12.
Variant type: single nucleotide variant.
Coding change: c.4T>G on transcript NM_017775.4 (MANE Select); coding-DNA position 4, T replaced by G.
Protein change: p.Phe2Val; replaces phenylalanine 2 with valine.
Molecular consequence: missense variant. On other transcripts: 5 prime UTR variant (1).
Genome position (GRCh38, 1-based): chr17:15,999,852, T>G. VCF-style: chr17-15999852-T-G. GRCh37 (hg19) VCF-style: chr17-15903166-T-G.
Other names: c.-455T>G (NM_001271420.2); short protein forms F2V.
Identifiers: ClinVar variation 2109652 (VCV002109652.4), dbSNP rs2549917966, ClinGen allele CA398381813.